The following is an entry in ClinVar:

NM_000051.4(ATM):c.5858C>G (p.Thr1953Arg)

Genes: ATM (ATM serine/threonine kinase; plus strand), C11orf65 (chromosome 11 open reading frame 65; minus strand). Cytogenetic location: 11q22.3.
Variant type: single nucleotide variant.
Coding change: c.5858C>G on transcript NM_000051.4 (MANE Select); coding-DNA position 5858, C replaced by G.
Protein change: p.Thr1953Arg; replaces threonine 1953 with arginine.
Molecular consequence: missense variant. On other transcripts: intron variant (2).
Genome position (GRCh38, 1-based): chr11:108,310,255, C>G. VCF-style: chr11-108310255-C-G. GRCh37 (hg19) VCF-style: chr11-108180982-C-G.
Other names: c.5858C>G, p.Thr1953Arg (NM_001351834.2); c.641-1184G>C (NM_001330368.2); c.*39-1184G>C (NM_001351110.2); short protein forms T1953R.
Identifiers: ClinVar variation 568349 (VCV000568349.9), dbSNP rs587781963, ClinGen allele CA382548478.

ClinVar aggregate classification (germline): Uncertain significance (1 of 4 stars; one submission).

Conditions:
Ataxia-telangiectasia syndrome (AT). Also called: Cerebello-oculocutaneous telangiectasia; Immunodeficiency with ataxia telangiectasia; Ataxia-telangiectasia, complementation group E; Ataxia-telangiectasia, complementation group D; AT, COMPLEMENTATION GROUP C; ATAXIA-TELANGIECTASIA, COMPLEMENTATION GROUP A. Identifiers: Orphanet 100, MedGen C0004135, MONDO:0008840, OMIM 208900.

Submission:

Labcorp Genetics (formerly Invitae), Labcorp
Classification: Uncertain significance for Ataxia-telangiectasia syndrome. Last evaluated: 2021-09-26. Review status: criteria provided, single submitter. Criteria: Invitae Variant Classification Sherloc (09022015). Collection method: clinical testing. Allele origin: germline.
Comment: Algorithms developed to predict the effect of missense changes on protein structure and function (SIFT, PolyPhen-2, Align-GVGD) all suggest that this variant is likely to be disruptive. ClinVar contains an entry for this variant (Variation ID: 568349). This variant has not been reported in the literature in individuals affected with ATM-related conditions. This variant is not present in population databases (ExAC no frequency). This sequence change replaces threonine with arginine at codon 1953 of the ATM protein (p.Thr1953Arg). The threonine residue is highly conserved and there is a moderate physicochemical difference between threonine and arginine. In summary, the available evidence is currently insufficient to determine the role of this variant in disease. Therefore, it has been classified as a Variant of Uncertain Significance. Algorithms developed to predict the effect of sequence changes on RNA splicing suggest that this variant may create or strengthen a splice site.